The following is an entry in ClinVar:

NM_006767.4(LZTR1):c.2145del (p.Ser716fs)

Gene: LZTR1 (leucine zipper like post translational regulator 1; plus strand). Cytogenetic location: 22q11.21.
Variant type: Deletion.
Coding change: c.2145del on transcript NM_006767.4 (MANE Select); coding-DNA position 2145, one base deleted (C; older notation c.2145delC).
Protein change: p.Ser716fs; shifts the reading frame from serine 716.
Molecular consequence: frameshift variant.
Genome position (GRCh38, 1-based): chr22:20,996,038, C deleted; the last of 3 consecutive C bases (chr22:20,996,036-20,996,038); deleting any one gives the same sequence. VCF-style (leftmost placement, unchanged base first): chr22-20996035-GC-G. GRCh37 (hg19) VCF-style: chr22-21350324-GC-G.
Other names: short protein forms S716fs.
Identifiers: ClinVar variation 4101870 (VCV004101870.1).

ClinVar aggregate classification (germline): Pathogenic (1 of 4 stars; one submission).

Conditions:
Cardiovascular phenotype. Identifiers: MedGen CN230736.
Hereditary cancer-predisposing syndrome. Also called: Tumor predisposition; Neoplastic Syndromes, Hereditary; Hereditary neoplastic syndrome; Hereditary Cancer Syndrome. Identifiers: Orphanet 140162, MedGen C0027672, MeSH D009386, MONDO:0015356.

Submission:

Ambry Genetics
Classification: Pathogenic for Cardiovascular phenotype; Hereditary cancer-predisposing syndrome. Last evaluated: 2025-07-09. Review status: criteria provided, single submitter. Criteria: Ambry Variant Classification Scheme 2023. Collection method: clinical testing. Allele origin: germline.
Comment: The c.2145delC pathogenic mutation, located in coding exon 18 of the LZTR1 gene, results from a deletion of one nucleotide at nucleotide position 2145, causing a translational frameshift with a predicted alternate stop codon (p.S716Afs*51). This variant is considered to be rare based on population cohorts in the Genome Aggregation Database (gnomAD). This alteration is expected to result in loss of function by premature protein truncation or nonsense-mediated mRNA decay. Loss-of-function variants in LZTR1 are related to an increased risk for schwannomas and autosomal recessive Noonan syndrome; however, such associations with autosomal dominant Noonan syndrome have not been observed (Piotrowski A et al. Nat Genet. 2014 Feb;46:182-7; Yamamoto GL et al. J Med Genet. 2015 Jun;52:413-21; Johnston JJ et al. Genet Med. 2018 10;20:1175-1185). Based on the supporting evidence, this variant is pathogenic for an increased risk of LZTR1-related schwannomatosis (SWN) and would be expected to cause autosomal recessive Noonan syndrome when present along with a second pathogenic or likely pathogenic variant on the other allele; however, the association of this alteration with autosomal dominant Noonan syndrome is unlikely.